The following is an entry in ClinVar:

ClinVar aggregate classification (germline): Likely benign. Review status: criteria provided, multiple submitters, no conflicts (2 of 4 stars). 2 submissions from 2 submitters: Likely benign (2). Last evaluated 2026-03-05.

Conditions:
MPDZ-related disorder. Also called: MPDZ-related condition.

Allele frequency attached by ClinVar (database versions not stated): ExAC 0.00006; gnomAD 0.00006 and 0.00007; gnomAD exomes 0.00010; TOPMed 0.00014; ESP Exome Variant Server 0.00017; 1000 Genomes Project 30x 0.00031; 1000 Genomes Project 0.00040.
gnomAD v4.1: 146 of 1,613,488 alleles (0.009%); highest among the groups gnomAD compares: Admixed American, 0.028%; 1 homozygote.

Submissions (2):

PreventionGenetics, part of Exact Sciences
Classification: Likely benign for MPDZ-related condition. Last evaluated: 2026-03-05. Review status: criteria provided, single submitter. Criteria: ACMG Guidelines, 2015. Collection method: clinical testing. Allele origin: germline.
Comment: This variant is classified as likely benign based on ACMG/AMP sequence variant interpretation guidelines (Richards et al. 2015 PMID: 25741868, with internal and published modifications).

Labcorp Genetics (formerly Invitae), Labcorp
Classification: Likely benign. Last evaluated: 2025-10-20. Review status: criteria provided, single submitter. Criteria: Invitae Variant Classification Sherloc (09022015). Collection method: clinical testing. Allele origin: germline.

NM_001378778.1(MPDZ):c.4878C>T (p.Cys1626=)

Gene: MPDZ (multiple PDZ domain crumbs cell polarity complex component; minus strand). Cytogenetic location: 9p23.
Variant type: single nucleotide variant.
Coding change: c.4878C>T on transcript NM_001378778.1 (MANE Select); coding-DNA position 4878, C replaced by T.
Protein change: p.Cys1626=; no amino-acid change (cysteine 1626 retained).
Molecular consequence: synonymous variant.
Genome position (GRCh38, 1-based): chr9:13,123,228, G>A on the plus strand (C>T on the coding strand, the complement: MPDZ is on the minus strand). VCF-style: chr9-13123228-G-A. GRCh37 (hg19) VCF-style: chr9-13123227-G-A.
Other names: c.4779C>T, p.Cys1593= (NM_001261406.2, NM_001261407.2, NM_001375416.1 and 3 more transcripts); c.4878C>T, p.Cys1626= (NM_001330637.2, NM_003829.5); c.4977C>T, p.Cys1659= (NM_001375413.1); c.4668C>T, p.Cys1556= (NM_001375420.1, NM_001375421.1, NM_001375422.1 and 4 more transcripts); c.4470C>T, p.Cys1490= (NM_001375427.1); c.4878C>T (NM_003829.4).
Identifiers: ClinVar variation 1567089 (VCV001567089.9), dbSNP rs375087628, ClinGen allele CA4986539.